The following is an entry in ClinVar:

ClinVar aggregate classification (germline): Benign/Likely benign. Review status: criteria provided, multiple submitters, no conflicts (2 of 4 stars). 2 submissions from 2 submitters: Benign (1); Likely benign (1). Last evaluated 2024-09-04.

Conditions:
Fanconi anemia complementation group J. Also called: BRIP1-Related Fanconi Anemia. Identifiers: Orphanet 84, MedGen C1836860, MONDO:0012187, OMIM 609054.
Familial cancer of breast. Also called: hereditary breast carcinoma; BREAST CANCER, FAMILIAL; Hereditary breast cancer. Identifiers: Orphanet 227535, MedGen C0346153, MONDO:0016419, OMIM 114480. Disease mechanism: loss of function.

Submissions (2):

Myriad Genetics, Inc.
Classification: Benign for Familial cancer of breast. Last evaluated: 2024-09-04. Review status: criteria provided, single submitter. Criteria: Myriad Autosomal Dominant, Autosomal Recessive and X-Linked Classification Criteria (2023). Collection method: clinical testing. Allele origin: unknown.
Comment: This variant is considered benign. This variant is a silent/synonymous amino acid change and it is not expected to impact splicing.

Labcorp Genetics (formerly Invitae), Labcorp
Classification: Likely benign for Familial cancer of breast; Fanconi anemia complementation group J. Last evaluated: 2024-06-19. Review status: criteria provided, single submitter. Criteria: Invitae Variant Classification Sherloc (09022015). Collection method: clinical testing. Allele origin: germline.

NM_032043.3(BRIP1):c.2361A>G (p.Pro787=)

Gene: BRIP1 (BRCA1 interacting DNA helicase 1; minus strand). Cytogenetic location: 17q23.2.
Variant type: single nucleotide variant.
Coding change: c.2361A>G on transcript NM_032043.3 (MANE Select); coding-DNA position 2361, A replaced by G.
Protein change: p.Pro787=; no amino-acid change (proline 787 retained).
Molecular consequence: synonymous variant.
Genome position (GRCh38, 1-based): chr17:61,743,031, T>C on the plus strand (A>G on the coding strand, the complement: BRIP1 is on the minus strand). VCF-style: chr17-61743031-T-C. GRCh37 (hg19) VCF-style: chr17-59820392-T-C.
Identifiers: ClinVar variation 3379345 (VCV003379345.3).